The following is an entry in ClinVar:

ClinVar aggregate classification (germline): Uncertain significance (1 of 4 stars; one submission).

Submission:

Labcorp Genetics (formerly Invitae), Labcorp
Classification: Uncertain significance. Last evaluated: 2024-03-14. Review status: criteria provided, single submitter. Criteria: Invitae Variant Classification Sherloc (09022015). Collection method: clinical testing. Allele origin: germline.
Comment: This sequence change replaces proline, which is neutral and non-polar, with alanine, which is neutral and non-polar, at codon 811 of the ZNF341 protein (p.Pro811Ala). This variant is not present in population databases (gnomAD no frequency). This variant has not been reported in the literature in individuals affected with ZNF341-related conditions. ClinVar contains an entry for this variant (Variation ID: 1996738). An algorithm developed to predict the effect of missense changes on protein structure and function (PolyPhen-2) suggests that this variant is likely to be disruptive. In summary, the available evidence is currently insufficient to determine the role of this variant in disease. Therefore, it has been classified as a Variant of Uncertain Significance.

NM_001282933.2(ZNF341):c.2452C>G (p.Pro818Ala)

Genes: ZNF341 (zinc finger protein 341; plus strand), ZNF341-AS1 (ZNF341 antisense RNA 1; minus strand). Cytogenetic location: 20q11.22.
Variant type: single nucleotide variant.
Coding change: c.2452C>G on transcript NM_001282933.2 (MANE Select); coding-DNA position 2452, C replaced by G.
Protein change: p.Pro818Ala; replaces proline 818 with alanine.
Molecular consequence: missense variant. On other transcripts: non-coding transcript variant (1).
Genome position (GRCh38, 1-based): chr20:33,791,404, C>G. VCF-style: chr20-33791404-C-G. GRCh37 (hg19) VCF-style: chr20-32379210-C-G.
Other names: c.2182C>G, p.Pro728Ala (NM_001282935.2); c.2431C>G, p.Pro811Ala (NM_032819.5); short protein forms P728A, P811A, P818A.
Identifiers: ClinVar variation 1996738 (VCV001996738.4), dbSNP rs2515515128, ClinGen allele CA408642783.